The following is an entry in ClinVar:

NM_007294.4(BRCA1):c.4304A>G (p.Asp1435Gly)

Gene: BRCA1 (BRCA1 DNA repair associated; minus strand). Cytogenetic location: 17q21.31.
Variant type: single nucleotide variant.
Coding change: c.4304A>G on transcript NM_007294.4 (MANE Select); coding-DNA position 4304, A replaced by G.
Protein change: p.Asp1435Gly; replaces aspartic acid 1435 with glycine.
Molecular consequence: missense variant. On other transcripts: non-coding transcript variant (1).
Genome position (GRCh38, 1-based): chr17:43,082,457, T>C on the plus strand (A>G on the coding strand, the complement: BRCA1 is on the minus strand). VCF-style: chr17-43082457-T-C. GRCh37 (hg19) VCF-style: chr17-41234474-T-C.
Other names: c.611A>G, p.Asp204Gly (NM_001408511.1); c.491A>G, p.Asp164Gly (NM_001408512.1); c.782A>G, p.Asp261Gly (NM_001408513.1, NM_001408489.1, NM_001408490.1 and 3 more transcripts); c.785A>G, p.Asp262Gly (NM_001408514.1, NM_001408478.1, NM_001408479.1 and 6 more transcripts); c.4163A>G, p.Asp1388Gly (NM_007297.4, NM_001407697.1, NM_001407698.1 and 23 more transcripts); c.995A>G, p.Asp332Gly (NM_007298.4, NM_007299.4, NM_007304.2 and 9 more transcripts); c.4304A>G, p.Asp1435Gly (NM_007300.4, NM_001407581.1, NM_001407582.1 and 23 more transcripts); c.4091A>G, p.Asp1364Gly (NM_001407571.1, NM_001407853.1, NM_001407894.1 and 12 more transcripts); and 51 more; short protein forms D1435G, D1388G, D332G, D1308G, D1323G, D1363G, D1364G, D1408G.
Identifiers: ClinVar variation 234039 (VCV000234039.20), dbSNP rs876660809, ClinGen allele CA10580525.
Genomic context (GRCh38, chr17:43,082,457, plus strand): 5'-TACACACCTTTTTCTGATGTGCTTTGTTCTGGATTTCGCAGGTCCTCAAGGGCAGAAGAG[T>C]CACTTATGATGGAAGGGTAGCTGTTAGAAGGCTGGCTCCCATGCTGTTCTAACACAGCTT-3'
Protein context (NP_009225.1, residues 1425-1445): PSNSYPSIIS[Asp1435Gly]SSALEDLRNP

ClinVar aggregate classification (germline): Uncertain significance. Review status: criteria provided, multiple submitters, no conflicts (2 of 4 stars). 4 submissions from 4 submitters: Uncertain significance (4). Last evaluated 2026-01-22.

Conditions:
Hereditary breast ovarian cancer syndrome. Also called: Breast and ovarian cancer; Hereditary breast and ovarian cancer; Hereditary breast and ovarian cancer syndrome; Hereditary breast and/or ovarian cancer syndrome; BRCA1- and BRCA2-Associated Hereditary Breast and Ovarian Cancer; Hereditary breast and ovarian cancer syndrome (HBOC). Identifiers: Orphanet 145, MedGen C0677776, MeSH D061325, MONDO:0003582. Disease mechanism: loss of function.
Breast-ovarian cancer, familial, susceptibility to, 1 (BROVCA1). Also called: BRCA1 Hereditary Breast and Ovarian Cancer; OVARIAN CANCER, SUSCEPTIBILITY TO. Identifiers: Orphanet 145, MedGen C2676676, MONDO:0011450, OMIM 604370. Disease mechanism: loss of function.
Hereditary cancer-predisposing syndrome. Also called: Tumor predisposition; Hereditary Cancer Syndrome; Neoplastic Syndromes, Hereditary; Hereditary neoplastic syndrome. Identifiers: Orphanet 140162, MedGen C0027672, MeSH D009386, MONDO:0015356.

Allele frequency attached by ClinVar (database versions not stated): gnomAD exomes 0.00001.
gnomAD v4.1: 3 of 1,614,038 alleles (0.00019%); highest among the groups gnomAD compares: Non-Finnish European, 0.00025%; 1 homozygote.

Submissions (4):

Labcorp Genetics (formerly Invitae), Labcorp
Classification: Uncertain significance for Hereditary breast ovarian cancer syndrome. Last evaluated: 2026-01-22. Review status: criteria provided, single submitter. Criteria: Invitae Variant Classification Sherloc (09022015). Collection method: clinical testing. Allele origin: germline.
Comment: This sequence change replaces aspartic acid, which is acidic and polar, with glycine, which is neutral and non-polar, at codon 1435 of the BRCA1 protein (p.Asp1435Gly). This variant is not present in population databases (gnomAD no frequency). This missense change has been observed in individual(s) with breast cancer (PMID: 35264596). ClinVar contains an entry for this variant (Variation ID: 234039). Invitae Evidence Modeling of protein sequence and biophysical properties (such as structural, functional, and spatial information, amino acid conservation, physicochemical variation, residue mobility, and thermodynamic stability) indicates that this missense variant is not expected to disrupt BRCA1 protein function with a negative predictive value of 80%. In summary, the available evidence is currently insufficient to determine the role of this variant in disease. Therefore, it has been classified as a Variant of Uncertain Significance.

Ambry Genetics
Classification: Uncertain significance for Hereditary cancer-predisposing syndrome. Last evaluated: 2024-10-31. Review status: criteria provided, single submitter. Criteria: Ambry Variant Classification Scheme 2023. Collection method: clinical testing. Allele origin: germline.
Comment: The p.D1435G variant (also known as c.4304A>G), located in coding exon 11 of the BRCA1 gene, results from an A to G substitution at nucleotide position 4304. The aspartic acid at codon 1435 is replaced by glycine, an amino acid with similar properties. This variant was detected once in a cohort of 1663 Brazilian breast cancer patients who underwent hereditary multigene panel testing (Guindalini RSC et al. Sci Rep, 2022 Mar;12:4190). This amino acid position is not well conserved in available vertebrate species. In addition, this alteration is predicted to be tolerated by in silico analysis. Based on the available evidence, the clinical significance of this variant remains unclear.

Quest Diagnostics Nichols Institute San Juan Capistrano
Classification: Uncertain significance. Last evaluated: 2019-07-04. Review status: criteria provided, single submitter. Criteria: Quest Diagnostics criteria. Collection method: clinical testing. Allele origin: germline.

Mendelics
Classification: Uncertain significance for Breast-ovarian cancer, familial, susceptibility to, 1. Last evaluated: 2019-05-28. Review status: criteria provided, single submitter. Criteria: Mendelics Assertion Criteria 2017. Collection method: clinical testing. Allele origin: unknown.

Literature cited by the submitters: PubMed 35264596 (cited by Labcorp Genetics (formerly Invitae), Labcorp and Ambry Genetics).